The following is an entry in ClinVar:

ClinVar aggregate classification (germline): Uncertain significance (1 of 4 stars; one submission).

Conditions:
Generalized epilepsy-paroxysmal dyskinesia syndrome (PNKD3). Also called: Generalized epilepsy and paroxysmal dyskinesia; Paroxysmal nonkinesigenic dyskinesia, 3, with or without generalized epilepsy. Identifiers: Orphanet 79137, MedGen C5574945, MONDO:0012276, OMIM 609446.

Allele frequency attached by ClinVar (database versions not stated): gnomAD exomes below 0.00001.
gnomAD v4.1: 2 of 1,613,350 alleles (0.00012%); highest among the groups gnomAD compares: South Asian, 0.0011%; no homozygotes.

Submission:

Labcorp Genetics (formerly Invitae), Labcorp
Classification: Uncertain significance for Generalized epilepsy-paroxysmal dyskinesia syndrome. Last evaluated: 2023-08-10. Review status: criteria provided, single submitter. Criteria: Invitae Variant Classification Sherloc (09022015). Collection method: clinical testing. Allele origin: germline.
Comment: ClinVar contains an entry for this variant (Variation ID: 647144). An algorithm developed to predict the effect of missense changes on protein structure and function (PolyPhen-2) suggests that this variant is likely to be tolerated. In summary, the available evidence is currently insufficient to determine the role of this variant in disease. Therefore, it has been classified as a Variant of Uncertain Significance. This variant has not been reported in the literature in individuals affected with KCNMA1-related conditions. This sequence change replaces histidine, which is basic and polar, with arginine, which is basic and polar, at codon 1136 of the KCNMA1 protein (p.His1136Arg). This variant is not present in population databases (gnomAD no frequency).

NM_001161352.2(KCNMA1):c.3581A>G (p.His1194Arg)

Gene: KCNMA1 (potassium calcium-activated channel subfamily M alpha 1; minus strand). Cytogenetic location: 10q22.3.
Variant type: single nucleotide variant.
Coding change: c.3581A>G on transcript NM_001161352.2 (MANE Select); coding-DNA position 3581, A replaced by G.
Protein change: p.His1194Arg; replaces histidine 1194 with arginine.
Molecular consequence: missense variant.
Genome position (GRCh38, 1-based): chr10:76,887,396, T>C on the plus strand (A>G on the coding strand, the complement: KCNMA1 is on the minus strand). VCF-style: chr10-76887396-T-C. GRCh37 (hg19) VCF-style: chr10-78647154-T-C.
Other names: c.3419A>G, p.His1140Arg (NM_001014797.3); c.3530A>G, p.His1177Arg (NM_001161353.2); c.3257A>G, p.His1086Arg (NM_001271518.2); c.3497A>G, p.His1166Arg (NM_001271519.2); c.3416A>G, p.His1139Arg (NM_001322829.2, NM_001322836.2); c.3509A>G, p.His1170Arg (NM_001322830.2); c.3407A>G, p.His1136Arg (NM_001322832.2, NM_002247.4); c.3500A>G, p.His1167Arg (NM_001322835.2, NM_001322837.2); and 1 more; short protein forms H1170R, H985R, H1136R, H1167R, H1177R, H1086R, H1194R, H1139R.
Identifiers: ClinVar variation 647144 (VCV000647144.9), dbSNP rs1589551484, ClinGen allele CA377402713.
Genomic context (GRCh38, chr10:76,887,396, plus strand): 5'-TTTGCTGTGGATGGGATGGAGTGAACAGAGGAGCTCTTCTTGCTGGAGGACTGCGACGAG[T>C]GGGAGGAATGGGACAGGCTGGCCCGGGACTGGCCGGCATTGTGGTCAAACTGCATTAAGC-3'
Protein context (NP_001154824.1, residues 1184-1204): QSRASLSHSS[His1194Arg]SSQSSSKKSS